The following is an entry in ClinVar:

NM_001128178.3(NPHP1):c.3G>A (p.Met1Ile)

Gene: NPHP1 (nephrocystin 1; minus strand). Cytogenetic location: 2q13.
Variant type: single nucleotide variant.
Coding change: c.3G>A on transcript NM_001128178.3 (MANE Select); coding-DNA position 3, G replaced by A.
Protein change: p.Met1Ile; changes the start codon (methionine 1).
Molecular consequence: missense variant, initiator codon variant.
Genome position (GRCh38, 1-based): chr2:110,204,966, C>T on the plus strand (G>A on the coding strand, the complement: NPHP1 is on the minus strand). VCF-style: chr2-110204966-C-T. GRCh37 (hg19) VCF-style: chr2-110962543-C-T.
Other names: c.3G>A, p.Met1Ile (NM_000272.5, NM_001128179.3, NM_001374256.1 and 2 more transcripts); short protein forms M1I.
Identifiers: ClinVar variation 4292120 (VCV004292120.1).
Genomic context (GRCh38, chr2:110,204,966, plus strand): 5'-CTTCAGCTCCTGATTGCGGCGCCGCAGGGCCTGGAGAGGATCTCGCTGTCGTCTCGCCAG[C>T]ATCTCCCTGGCTGCGGTGCTCTGATTGCTCCAGTTGCCAGGGAAACCAACCGGCGGCGCC-3'
Protein context (NP_001121650.1, residues 1-11): [Met1Ile]LARRQRDPLQ

ClinVar aggregate classification (germline): Likely pathogenic (1 of 4 stars; one submission).

Conditions:
Joubert syndrome with renal defect. Also called: JOUBERT SYNDROME 4. Identifiers: Orphanet 220497, MedGen C1846790, MONDO:0012308, OMIM 609583.

Submission:

3billion
Classification: Likely pathogenic for Joubert syndrome with renal defect. Last evaluated: 2024-10-16. Review status: criteria provided, single submitter. Criteria: ACMG Guidelines, 2015. Collection method: clinical testing. Allele origin: germline. Affected: yes.
Comment: The variant is observed at an extremely low frequency in the gnomAD v4.1.0 dataset (total allele frequency: <0.001%). Predicted Consequence/Location: Start-lost: reinitiation of translation may occur at a downstream alternate start codon but still result in a loss or disruption of normal protein function as there have been pathogenic variants reported upstream of the alternate start codon. Damaging effect on gene or gene product predicted by in silico programs is uncertain [3Cnet: 0.90 (damaging >=0.6, benign <0.15)]. Therefore, this variant is classified as Likely pathogenic according to the recommendation of ACMG/AMP guideline.